The following is an entry in ClinVar:

ClinVar aggregate classification (germline): Benign/Likely benign. Review status: criteria provided, multiple submitters, no conflicts (2 of 4 stars). 5 submissions from 5 submitters: Benign (2); Likely benign (3). Last evaluated 2026-01-28.

Conditions:
KCNC1-related disorder. Also called: KCNC1-Related Disorders; KCNC1-related condition. Identifiers: MedGen CN381541.
Inborn genetic diseases. Identifiers: MedGen C0950123, MeSH D030342.
Progressive myoclonic epilepsy type 7. Identifiers: Orphanet 435438, MedGen C4015420, MONDO:0014521, OMIM 616187.

Allele frequency attached by ClinVar (database versions not stated): ExAC 0.00005; gnomAD 0.00017 and 0.00018; TOPMed 0.00017; ESP Exome Variant Server 0.00022; gnomAD exomes 0.00024.
gnomAD v4.1: 601 of 1,550,372 alleles (0.039%); highest among the groups gnomAD compares: Non-Finnish European, 0.051%; no homozygotes.

Submissions (5):

Labcorp Genetics (formerly Invitae), Labcorp
Classification: Likely benign for Progressive myoclonic epilepsy type 7. Last evaluated: 2026-01-28. Review status: criteria provided, single submitter. Criteria: Invitae Variant Classification Sherloc (09022015). Collection method: clinical testing. Allele origin: germline.

PreventionGenetics, part of Exact Sciences
Classification: Benign for KCNC1-related condition. Last evaluated: 2024-12-19. Review status: criteria provided, single submitter. Criteria: ACMG Guidelines, 2015. Collection method: clinical testing. Allele origin: germline.
Comment: This variant is classified as benign based on ACMG/AMP sequence variant interpretation guidelines (Richards et al. 2015 PMID: 25741868, with internal and published modifications).

Blueprint Genetics
Classification: Likely benign. Last evaluated: 2024-11-05. Review status: criteria provided, single submitter. Criteria: ACMG Guidelines, 2015. Collection method: clinical testing. Allele origin: germline.

GeneDx
Classification: Benign. Last evaluated: 2019-03-07. Review status: criteria provided, single submitter. Criteria: GeneDx Variant Classification Process June 2021. Collection method: clinical testing. Allele origin: germline. Affected: yes.

Ambry Genetics
Classification: Likely benign for Inborn genetic diseases. Last evaluated: 2017-10-27. Review status: criteria provided, single submitter. Criteria: Ambry Variant Classification Scheme 2023. Collection method: clinical testing. Allele origin: germline.

NM_001112741.2(KCNC1):c.1659G>T (p.Glu553Asp)

Gene: KCNC1 (potassium voltage-gated channel subfamily C member 1; plus strand). Cytogenetic location: 11p15.1.
Variant type: single nucleotide variant.
Coding change: c.1659G>T on transcript NM_001112741.2 (MANE Select); coding-DNA position 1659, G replaced by T.
Protein change: p.Glu553Asp; replaces glutamic acid 553 with aspartic acid.
Molecular consequence: missense variant.
Genome position (GRCh38, 1-based): chr11:17,779,610, G>T. VCF-style: chr11-17779610-G-T. GRCh37 (hg19) VCF-style: chr11-17801157-G-T.
Other names: short protein forms E553D.
Identifiers: ClinVar variation 542104 (VCV000542104.20), dbSNP rs372580647, ClinGen allele CA5906856.